The following is an entry in ClinVar:

ClinVar aggregate classification (germline): Benign/Likely benign. Review status: criteria provided, multiple submitters, no conflicts (2 of 4 stars). 4 submissions from 4 submitters: Benign (1); Likely benign (2). 1 of the submissions does not count toward it. Last evaluated 2020-03-16.

Conditions:
RNF135-related disorder. Also called: RNF135-related condition.

Allele frequency attached by ClinVar (database versions not stated): gnomAD exomes 0.00032 and 0.00050; ESP Exome Variant Server 0.00033; ExAC 0.00037; gnomAD 0.00368 and 0.00389; TOPMed 0.00382; 1000 Genomes Project 0.00599; 1000 Genomes Project 30x 0.00609.
gnomAD v4.1: 1,022 of 1,529,442 alleles (0.067%); highest among the groups gnomAD compares: African/African-American, 1.3%; 6 homozygotes.

Submissions (4):

GeneDx
Classification: Likely benign. Last evaluated: 2020-03-16. Review status: criteria provided, single submitter. Criteria: GeneDx Variant Classification Process June 2021. Collection method: clinical testing. Allele origin: germline. Affected: yes.

Labcorp Genetics (formerly Invitae), Labcorp
Classification: Benign. Last evaluated: 2019-12-31. Review status: criteria provided, single submitter. Criteria: Invitae Variant Classification Sherloc (09022015). Collection method: clinical testing. Allele origin: germline.

Genetic Services Laboratory, University of Chicago
Classification: Likely benign. Last evaluated: 2019-09-27. Review status: criteria provided, single submitter. Criteria: ACMG Guidelines, 2015. Collection method: clinical testing. Allele origin: germline. Affected: no.

PreventionGenetics, part of Exact Sciences
Classification: Likely benign for RNF135-related condition. Last evaluated: 2019-12-03. Review status: no assertion criteria provided. Collection method: clinical testing. Allele origin: germline. Not counted in ClinVar's aggregate classification.
Comment: This variant is classified as likely benign based on ACMG/AMP sequence variant interpretation guidelines (Richards et al. 2015 PMID: 25741868, with internal and published modifications).

NM_032322.4(RNF135):c.292C>G (p.Pro98Ala)

Gene: RNF135 (ring finger protein 135; plus strand). Cytogenetic location: 17q11.2.
Variant type: single nucleotide variant.
Coding change: c.292C>G on transcript NM_032322.4 (MANE Select); coding-DNA position 292, C replaced by G.
Protein change: p.Pro98Ala; replaces proline 98 with alanine.
Molecular consequence: missense variant.
Genome position (GRCh38, 1-based): chr17:30,971,365, C>G. VCF-style: chr17-30971365-C-G. GRCh37 (hg19) VCF-style: chr17-29298383-C-G.
Other names: c.292C>G, p.Pro98Ala (NM_001184992.2, NM_197939.2); short protein forms P98A.
Identifiers: ClinVar variation 781275 (VCV000781275.12), dbSNP rs376823094, ClinGen allele CA8485148.